The following is an entry in ClinVar:

ClinVar aggregate classification (germline): Likely pathogenic (0 of 4 stars; one submission).

Conditions:
TET3-related disorder. Also called: TET3-related condition; TET3-Related Disease.

Submission:

PreventionGenetics, part of Exact Sciences
Classification: Likely pathogenic for TET3-related condition. Last evaluated: 2024-05-22. Review status: no assertion criteria provided. Collection method: clinical testing. Allele origin: germline.
Comment: The TET3 c.3895C>T variant is predicted to result in premature protein termination (p.Gln1299*). To our knowledge, this variant has not been reported in the literature or in gnomAD, indicating this variant is rare. However, nonsense variants upstream (p.Arg1034*) and downstream (p.Gln1695*) of this variant have been reported as pathogenic in individuals with intellectual disability/global developmental delay and Beck-Fahrner syndrome (Beck et al. 2020. PubMed ID: 31928709; Levy et al. 2021 PubMed ID: 34750377). This variant is interpreted as likely pathogenic.

NM_001287491.2(TET3):c.3895C>T (p.Gln1299Ter)

Gene: TET3 (tet methylcytosine dioxygenase 3; plus strand). Cytogenetic location: 2p13.1.
Variant type: single nucleotide variant.
Coding change: c.3895C>T on transcript NM_001287491.2 (MANE Select); coding-DNA position 3895, C replaced by T.
Protein change: p.Gln1299Ter; replaces glutamine 1299 with a stop codon.
Molecular consequence: nonsense.
Genome position (GRCh38, 1-based): chr2:74,100,683, C>T. VCF-style: chr2-74100683-C-T. GRCh37 (hg19) VCF-style: chr2-74327810-C-T.
Other names: c.3616C>T, p.Gln1206Ter (NM_001366022.1); short protein forms Q1206*, Q1299*.
Identifiers: ClinVar variation 3347057 (VCV003347057.1).